The following is an entry in ClinVar:

ClinVar aggregate classification (germline): Uncertain significance (1 of 4 stars; one submission).

gnomAD v4.1: 1 of 1,613,934 alleles (0.000062%); highest among the groups gnomAD compares: Non-Finnish European, 0.000085%; no homozygotes.

Submission:

Labcorp Genetics (formerly Invitae), Labcorp
Classification: Uncertain significance. Last evaluated: 2024-05-02. Review status: criteria provided, single submitter. Criteria: Invitae Variant Classification Sherloc (09022015). Collection method: clinical testing. Allele origin: germline.
Comment: This sequence change replaces glycine, which is neutral and non-polar, with arginine, which is basic and polar, at codon 391 of the CHD8 protein (p.Gly391Arg). This variant is not present in population databases (gnomAD no frequency). This variant has not been reported in the literature in individuals affected with CHD8-related conditions. An algorithm developed to predict the effect of missense changes on protein structure and function (PolyPhen-2) suggests that this variant is likely to be disruptive. In summary, the available evidence is currently insufficient to determine the role of this variant in disease. Therefore, it has been classified as a Variant of Uncertain Significance.

NM_001170629.2(CHD8):c.1171G>A (p.Gly391Arg)

Gene: CHD8 (chromodomain helicase DNA binding protein 8; minus strand). Cytogenetic location: 14q11.2.
Variant type: single nucleotide variant.
Coding change: c.1171G>A on transcript NM_001170629.2 (MANE Select); coding-DNA position 1171, G replaced by A.
Protein change: p.Gly391Arg; replaces glycine 391 with arginine.
Molecular consequence: missense variant.
Genome position (GRCh38, 1-based): chr14:21,429,008, C>T on the plus strand (G>A on the coding strand, the complement: CHD8 is on the minus strand). VCF-style: chr14-21429008-C-T. GRCh37 (hg19) VCF-style: chr14-21897167-C-T.
Other names: c.334G>A, p.Gly112Arg (NM_020920.4); short protein forms G112R, G391R.
Identifiers: ClinVar variation 3685787 (VCV003685787.2).